The following is an entry in ClinVar:

NM_000212.3(ITGB3):c.1476G>A (p.Trp492Ter)

Gene: ITGB3 (integrin subunit beta 3; plus strand). Cytogenetic location: 17q21.32.
Variant type: single nucleotide variant.
Coding change: c.1476G>A on transcript NM_000212.3 (MANE Select); coding-DNA position 1476, G replaced by A.
Protein change: p.Trp492Ter; replaces tryptophan 492 with a stop codon.
Molecular consequence: nonsense.
Genome position (GRCh38, 1-based): chr17:47,292,354, G>A. VCF-style: chr17-47292354-G-A. GRCh37 (hg19) VCF-style: chr17-45369720-G-A.
Other names: NM_000212.3:c.1476G>A; short protein forms W492*.
Identifiers: ClinVar variation 2498350 (VCV002498350.2), dbSNP rs2143113385, ClinGen allele CA400029436.
Genomic context (GRCh38, chr17:47,292,354, plus strand): 5'-TCGCTGCAACAATGGCAATGGGACCTTTGAGTGTGGGGTATGCCGTTGTGGGCCTGGCTG[G>A]CTGGGATCCCAGTGTGAGTGCTCAGAGGAGGACTATCGCCCTTCCCAGCAGGACGAATGC-3'

ClinVar aggregate classification (germline): Pathogenic (3 of 4 stars; one submission).

Conditions:
Glanzmann thrombasthenia. Also called: BLEEDING DISORDER, PLATELET-TYPE, 2; THROMBASTHENIA OF GLANZMANN AND NAEGELI; Thrombasthenia; PLATELET GLYCOPROTEIN IIb-IIIa DEFICIENCY; Glanzmann's thrombasthenia. Identifiers: Orphanet 849, MedGen C0040015, MONDO:0100326.

Submission:

ClinGen Platelet Disorders Variant Curation Expert Panel, ClinGen
Classification: Pathogenic for Glanzmann thrombasthenia. Last evaluated: 2023-01-17. Review status: reviewed by expert panel. Criteria: ClinGen Platelet ACMG Specifications v2-1. Collection method: curation. Allele origin: germline. Inheritance: Autosomal recessive inheritance.
Comment: The ITGB3 variant c.1476G>A (p.Trp492Ter) is a nonsense variant causing a premature stop codon in exon 10/15, and is predicted to undergo nonsense mediated decay. The variant is demonstrated to cause reduced GPIIIa protein expression in transfection experiments in CHO cells (PMID:26829726). The variant is absent from population databases. This variant has not yet been associated with any individual with Glanzmann thrombasthenia. The variant was first identified in relation to HPA antigen genotyping research from a chinese blood donor, zygosity unkown. In summary, based on the available evidence at this time, the c.1476G>A variant is classified "Pathogenic". GT-specific criteria applied: PS3_supporting, PM2_Supporting, PVS1.

Literature cited by the submitters: PubMed 26829726.